The following is an entry in ClinVar:

ClinVar aggregate classification (germline): Likely benign (0 of 4 stars; one submission).

Conditions:
COL6A3-related disorder. Also called: COL6A3-related disorders; COL6A3-related condition.

Allele frequency attached by ClinVar (database versions not stated): ExAC 0.00029; ESP Exome Variant Server 0.00031.
gnomAD v4.1: 734 of 1,607,480 alleles (0.046%); highest among the groups gnomAD compares: Non-Finnish European, 0.057%; no homozygotes.

Submission:

PreventionGenetics, part of Exact Sciences
Classification: Likely benign for COL6A3-related condition. Last evaluated: 2019-11-06. Review status: no assertion criteria provided. Collection method: clinical testing. Allele origin: germline.
Comment: This variant is classified as likely benign based on ACMG/AMP sequence variant interpretation guidelines (Richards et al. 2015 PMID: 25741868, with internal and published modifications).

NM_004369.4(COL6A3):c.6879+34G>A

Gene: COL6A3 (collagen type VI alpha 3 chain; minus strand). Cytogenetic location: 2q37.3.
Variant type: single nucleotide variant.
Coding change: c.6879+34G>A on transcript NM_004369.4 (MANE Select); 34 bases into the intron after coding-DNA position 6879, G replaced by A.
Molecular consequence: intron variant.
Genome position (GRCh38, 1-based): chr2:237,350,113, C>T on the plus strand (G>A on the coding strand, the complement: COL6A3 is on the minus strand). VCF-style: chr2-237350113-C-T. GRCh37 (hg19) VCF-style: chr2-238258756-C-T.
Other names: c.5058+34G>A (NM_057166.5); c.6261+34G>A (NM_057167.4).
Identifiers: ClinVar variation 3034992 (VCV003034992.2), dbSNP rs113689232, ClinGen allele CA2188047.